The following is an entry in ClinVar:

NM_001103.4(ACTN2):c.784-472A>C

Gene: ACTN2 (actinin alpha 2; plus strand). Cytogenetic location: 1q43.
Variant type: single nucleotide variant.
Coding change: c.784-472A>C on transcript NM_001103.4 (MANE Select); 472 bases into the intron before coding-DNA position 784, A replaced by C.
Molecular consequence: intron variant. On other transcripts: synonymous variant (2), non-coding transcript variant (1).
Genome position (GRCh38, 1-based): chr1:236,736,650, A>C. VCF-style: chr1-236736650-A-C. GRCh37 (hg19) VCF-style: chr1-236899950-A-C.
Other names: c.141A>C, p.Ser47= (NM_001278344.2); c.15A>C, p.Ser5= (NM_001412150.1); c.784-472A>C (NM_001278343.2).
Identifiers: ClinVar variation 2640110 (VCV002640110.25), dbSNP rs1413247579, ClinGen allele CA529524103.

ClinVar aggregate classification (germline): Likely benign. Review status: criteria provided, multiple submitters, no conflicts (2 of 4 stars). 2 submissions from 2 submitters: Likely benign (2). Last evaluated 2024-09-11.

Allele frequency attached by ClinVar (database versions not stated): gnomAD 0.00008.
gnomAD v4.1: 44 of 1,529,988 alleles (0.0029%); highest among the groups gnomAD compares: Non-Finnish European, 0.000088%; no homozygotes.

Submissions (2):

Blueprint Genetics
Classification: Likely benign. Last evaluated: 2024-09-11. Review status: criteria provided, single submitter. Criteria: ACMG Guidelines, 2015. Collection method: clinical testing. Allele origin: germline.

CeGaT Center for Human Genetics Tuebingen
Classification: Likely benign. Last evaluated: 2023-02-01. Review status: criteria provided, single submitter. Criteria: CeGaT Center For Human Genetics Tuebingen Variant Classification Criteria Version 2. Collection method: clinical testing. Allele origin: germline. Affected: yes. Observed: 1 variant allele.
Comment: ACTN2: BP4, BP7